The following is an entry in ClinVar:

NM_000313.4(PROS1):c.5G>A (p.Arg2Lys)

Gene: PROS1 (protein S; minus strand). Cytogenetic location: 3q11.1.
Variant type: single nucleotide variant.
Coding change: c.5G>A on transcript NM_000313.4 (MANE Select); coding-DNA position 5, G replaced by A.
Protein change: p.Arg2Lys; replaces arginine 2 with lysine.
Molecular consequence: missense variant.
Genome position (GRCh38, 1-based): chr3:93,973,745, C>T on the plus strand (G>A on the coding strand, the complement: PROS1 is on the minus strand). VCF-style: chr3-93973745-C-T. GRCh37 (hg19) VCF-style: chr3-93692589-C-T.
Other names: c.5G>A, p.Arg2Lys (NM_001314077.2); short protein forms R2K.
Identifiers: ClinVar variation 4754173 (VCV004754173.1).

ClinVar aggregate classification (germline): Uncertain significance (1 of 4 stars; one submission).

Conditions:
Thrombophilia due to protein S deficiency, autosomal recessive (THPH6). Identifiers: Orphanet 743, MedGen C3281092, MONDO:0013791, OMIM 614514. Disease mechanism: loss of function.

gnomAD v4.1: 7 of 1,612,700 alleles (0.00043%); highest among the groups gnomAD compares: South Asian, 0.0077%; no homozygotes.

Submission:

Labcorp Genetics (formerly Invitae), Labcorp
Classification: Uncertain significance for Thrombophilia due to protein S deficiency, autosomal recessive. Last evaluated: 2025-02-07. Review status: criteria provided, single submitter. Criteria: Invitae Variant Classification Sherloc (09022015). Collection method: clinical testing. Allele origin: germline.
Comment: This sequence change replaces arginine, which is basic and polar, with lysine, which is basic and polar, at codon 2 of the PROS1 protein (p.Arg2Lys). This variant is present in population databases (rs766252664, gnomAD 0.007%). This variant has not been reported in the literature in individuals affected with PROS1-related conditions. An algorithm developed to predict the effect of missense changes on protein structure and function outputs the following: PolyPhen-2: "Not Available". The lysine amino acid residue is found in multiple mammalian species, which suggests that this missense change does not adversely affect protein function. In summary, the available evidence is currently insufficient to determine the role of this variant in disease. Therefore, it has been classified as a Variant of Uncertain Significance.